The following is an entry in ClinVar:

ClinVar aggregate classification (germline): Pathogenic/Likely pathogenic. Review status: criteria provided, multiple submitters, no conflicts (2 of 4 stars). 2 submissions from 2 submitters: Pathogenic (1); Likely pathogenic (1). Last evaluated 2022-07-30.

Conditions:
Developmental and epileptic encephalopathy, 9 (DEE9). Also called: Early infantile epileptic encephalopathy 9; PCDH19-Related X-Linked Female-Limited Epilepsy with Mental Retardation; EPILEPSY, FEMALE-RESTRICTED, WITH MENTAL RETARDATION; JUBERG-HELLMAN SYNDROME. Identifiers: Orphanet 101039, Orphanet 2076, MedGen C1848137, MONDO:0010246, OMIM 300088. Disease mechanism: loss of function.

Submissions (2):

Labcorp Genetics (formerly Invitae), Labcorp
Classification: Pathogenic for Developmental and epileptic encephalopathy, 9. Last evaluated: 2022-07-30. Review status: criteria provided, single submitter. Criteria: Invitae Variant Classification Sherloc (09022015). Collection method: clinical testing. Allele origin: germline.
Comment: This variant is not present in population databases (gnomAD no frequency). This sequence change replaces aspartic acid, which is acidic and polar, with glycine, which is neutral and non-polar, at codon 596 of the PCDH19 protein (p.Asp596Gly). This missense change has been observed in individuals with clinical features of epileptic encephalopathy with cerebellar atrophy (PMID: 25891919; Invitae). For these reasons, this variant has been classified as Pathogenic. This variant disrupts the p.Asp596 amino acid residue in PCDH19. Other variant(s) that disrupt this residue have been determined to be pathogenic (PMID: 22946748, 23712037, 25891919). This suggests that this residue is clinically significant, and that variants that disrupt this residue are likely to be disease-causing. Advanced modeling of protein sequence and biophysical properties (such as structural, functional, and spatial information, amino acid conservation, physicochemical variation, residue mobility, and thermodynamic stability) performed at Invitae indicates that this missense variant is expected to disrupt PCDH19 protein function. ClinVar contains an entry for this variant (Variation ID: 1685394).

Mendelics
Classification: Likely pathogenic for Developmental and epileptic encephalopathy, 9. Last evaluated: 2022-05-04. Review status: criteria provided, single submitter. Criteria: Mendelics Assertion Criteria 2019. Collection method: clinical testing. Allele origin: germline.

Literature cited by the submitters: PubMed 25891919 (cited by Labcorp Genetics (formerly Invitae), Labcorp); PubMed 22946748 (cited by Labcorp Genetics (formerly Invitae), Labcorp); PubMed 23712037 (cited by Labcorp Genetics (formerly Invitae), Labcorp).

NM_001184880.2(PCDH19):c.1787A>G (p.Asp596Gly)

Gene: PCDH19 (protocadherin 19; minus strand). Cytogenetic location: Xq22.1.
Variant type: single nucleotide variant.
Coding change: c.1787A>G on transcript NM_001184880.2 (MANE Select); coding-DNA position 1787, A replaced by G.
Protein change: p.Asp596Gly; replaces aspartic acid 596 with glycine.
Molecular consequence: missense variant.
Genome position (GRCh38, 1-based): chrX:100,406,811, T>C on the plus strand (A>G on the coding strand, the complement: PCDH19 is on the minus strand). VCF-style: chrX-100406811-T-C. GRCh37 (hg19) VCF-style: chrX-99661809-T-C.
Other names: c.1787A>G, p.Asp596Gly (NM_001105243.2, NM_020766.3); short protein forms D596G.
Identifiers: ClinVar variation 1685394 (VCV001685394.6), dbSNP rs2147537831, ClinGen allele CA414001975.
Genomic context (GRCh38, chrX:100,406,811, plus strand): 5'-TCAAAGAAGCCGCGGTCGCCCTCGGTCATGTCGTAGGTGACTCGGCCATTTTCGCCCTCA[T>C]CGTAGTCTTCTGCCTTGACAACAGTCACCAGGTAGCCTATGCCAGAGTTGCGGGGTATGT-3'
Protein context (NP_001171809.1, residues 586-606): LVTVVKAEDY[Asp596Gly]EGENGRVTYD